The following is an entry in ClinVar:

ClinVar aggregate classification (germline): Uncertain significance (1 of 4 stars; one submission).

Conditions:
Chuvash polycythemia. Also called: POLYCYTHEMIA, VHL-DEPENDENT. Identifiers: Orphanet 238557, MedGen C1837915, MONDO:0009892, OMIM 263400.
Von Hippel-Lindau syndrome (VHLS). Also called: Von Hippel-Lindau; von Hippel–Lindau syndrome; VHL syndrome. Identifiers: Orphanet 892, MedGen C0019562, MONDO:0008667, OMIM 193300. Disease mechanism: loss of function.

Submission:

Labcorp Genetics (formerly Invitae), Labcorp
Classification: Uncertain significance for Von Hippel-Lindau syndrome; Chuvash polycythemia. Last evaluated: 2020-08-30. Review status: criteria provided, single submitter. Criteria: Invitae Variant Classification Sherloc (09022015). Collection method: clinical testing. Allele origin: germline.
Comment: The frequency data for this variant in the population databases is considered unreliable, as metrics indicate insufficient coverage at this position in the ExAC database. This sequence change falls in intron 1 of the VHL gene. It is not expected to change the encoded amino acid sequence of the VHL protein. However, this sequence change falls within a cryptic exon in the VHL gene, known as exon E1’, which is naturally expressed at low levels in several human tissues (PMID: 29891534). This variant has not been reported in the literature in individuals with VHL-related conditions. Experimental studies and prediction algorithms are not available or were not evaluated, and the functional significance of this variant is currently unknown. In summary, the available evidence is currently insufficient to determine the role of this variant in disease. Therefore, it has been classified as a Variant of Uncertain Significance.

Literature cited by the submitters: PubMed 29891534.

NM_000551.4(VHL):c.340+614G>T

Genes: VHL (von Hippel-Lindau tumor suppressor; plus strand), LOC107303340 (3p25 von Hippel-Lindau tumor suppressor, E3 ubiquitin protein ligase Alu-mediated recombination region; plus strand). Cytogenetic location: 3p25.3.
Variant type: single nucleotide variant.
Coding change: c.340+614G>T on transcript NM_000551.4 (MANE Select); 614 bases into the intron after coding-DNA position 340, G replaced by T.
Molecular consequence: intron variant. On other transcripts: missense variant (1).
Genome position (GRCh38, 1-based): chr3:10,142,801, G>T. VCF-style: chr3-10142801-G-T. GRCh37 (hg19) VCF-style: chr3-10184485-G-T.
Other names: c.340+614G>T (NM_198156.3); c.379G>T, p.Ala127Ser (NM_001354723.2); short protein forms A127S.
Identifiers: ClinVar variation 1054185 (VCV001054185.9), dbSNP rs2125125873, ClinGen allele CA2499216361.